The following is an entry in ClinVar:

NM_033026.6(PCLO):c.6760G>C (p.Asp2254His)

Gene: PCLO (piccolo presynaptic cytomatrix protein; minus strand). Cytogenetic location: 7q21.11.
Variant type: single nucleotide variant.
Coding change: c.6760G>C on transcript NM_033026.6 (MANE Select); coding-DNA position 6760, G replaced by C.
Protein change: p.Asp2254His; replaces aspartic acid 2254 with histidine.
Molecular consequence: missense variant.
Genome position (GRCh38, 1-based): chr7:82,954,193, C>G on the plus strand (G>C on the coding strand, the complement: PCLO is on the minus strand). VCF-style: chr7-82954193-C-G. GRCh37 (hg19) VCF-style: chr7-82583509-C-G.
Other names: c.6760G>C, p.Asp2254His (NM_014510.3); short protein forms D2254H.
Identifiers: ClinVar variation 1472588 (VCV001472588.5), dbSNP rs1402428469, ClinGen allele CA367918409.

ClinVar aggregate classification (germline): Uncertain significance (1 of 4 stars; one submission).

Allele frequency attached by ClinVar (database versions not stated): gnomAD exomes below 0.00001.
gnomAD v4.1: 1 of 1,613,492 alleles (0.000062%); highest among the groups gnomAD compares: Admixed American, 0.0017%; no homozygotes.

Submission:

Labcorp Genetics (formerly Invitae), Labcorp
Classification: Uncertain significance. Last evaluated: 2022-10-14. Review status: criteria provided, single submitter. Criteria: Invitae Variant Classification Sherloc (09022015). Collection method: clinical testing. Allele origin: germline.
Comment: This sequence change replaces aspartic acid, which is acidic and polar, with histidine, which is basic and polar, at codon 2254 of the PCLO protein (p.Asp2254His). This variant is not present in population databases (gnomAD no frequency). This variant has not been reported in the literature in individuals affected with PCLO-related conditions. ClinVar contains an entry for this variant (Variation ID: 1472588). Algorithms developed to predict the effect of missense changes on protein structure and function are either unavailable or do not agree on the potential impact of this missense change (SIFT: "Tolerated"; PolyPhen-2: "Not Available"; Align-GVGD: "Class C0"). In summary, the available evidence is currently insufficient to determine the role of this variant in disease. Therefore, it has been classified as a Variant of Uncertain Significance.